The following is an entry in ClinVar:

ClinVar aggregate classification (germline): Likely benign (0 of 4 stars; one submission).

Conditions:
HERC2-related disorder. Also called: HERC2-related condition.

Allele frequency attached by ClinVar (database versions not stated): gnomAD 0.01085; ExAC 0.02957; 1000 Genomes Project 30x 0.05169.

Submission:

PreventionGenetics, part of Exact Sciences
Classification: Likely benign for HERC2-related condition. Last evaluated: 2024-07-29. Review status: no assertion criteria provided. Collection method: clinical testing. Allele origin: germline.
Comment: This variant is classified as likely benign based on ACMG/AMP sequence variant interpretation guidelines (Richards et al. 2015 PMID: 25741868, with internal and published modifications).

NM_004667.6(HERC2):c.10032A>G (p.Arg3344=)

Gene: HERC2 (HECT and RLD domain containing E3 ubiquitin protein ligase 2; minus strand). Cytogenetic location: 15q13.1.
Variant type: single nucleotide variant.
Coding change: c.10032A>G on transcript NM_004667.6 (MANE Select); coding-DNA position 10032, A replaced by G.
Protein change: p.Arg3344=; no amino-acid change (arginine 3344 retained).
Molecular consequence: synonymous variant.
Genome position (GRCh38, 1-based): chr15:28,174,420, T>C on the plus strand (A>G on the coding strand, the complement: HERC2 is on the minus strand). VCF-style: chr15-28174420-T-C. GRCh37 (hg19) VCF-style: chr15-28419566-T-C.
Identifiers: ClinVar variation 3042253 (VCV003042253.2), dbSNP rs201182375, ClinGen allele CA7440985.